The following is an entry in ClinVar:

NM_130837.3(OPA1):c.764C>T (p.Thr255Met)

Genes: OPA1-AS1 (OPA1 antisense RNA 1; minus strand), OPA1 (OPA1 mitochondrial dynamin like GTPase; plus strand). Cytogenetic location: 3q29.
Variant type: single nucleotide variant.
Coding change: c.764C>T on transcript NM_130837.3 (MANE Select); coding-DNA position 764, C replaced by T.
Protein change: p.Thr255Met; replaces threonine 255 with methionine.
Molecular consequence: missense variant. On other transcripts: intron variant (5).
Genome position (GRCh38, 1-based): chr3:193,626,177, C>T. VCF-style: chr3-193626177-C-T. GRCh37 (hg19) VCF-style: chr3-193343966-C-T.
Other names: c.230C>T, p.Thr77Met (NM_001354663.2); c.602C>T, p.Thr201Met (NM_130833.3); c.656C>T, p.Thr219Met (NM_130835.3); c.710C>T, p.Thr237Met (NM_130836.3); c.253-5435C>T (NM_001354664.2); c.679-5435C>T (NM_130834.3); c.625-5435C>T (NM_015560.3); c.571-5435C>T (NM_130832.3); and 1 more; short protein forms T237M, T255M, T219M, T77M, T201M.
Identifiers: ClinVar variation 2171865 (VCV002171865.22), dbSNP rs762627425, ClinGen allele CA2759135.

ClinVar aggregate classification (germline): Conflicting classifications of pathogenicity. Review status: criteria provided, conflicting classifications (1 of 4 stars). 3 submissions from 3 submitters: Uncertain significance (1); Likely benign (1). 1 of the submissions does not count toward it. Last evaluated 2025-11-25.

Conditions:
OPA1-related disorder. Also called: OPA1-related condition; OPA1-related disorders.

Allele frequency attached by ClinVar (database versions not stated): ExAC 0.00001; gnomAD 0.00002; gnomAD exomes 0.00002; TOPMed 0.00003.
gnomAD v4.1: 27 of 1,613,802 alleles (0.0017%); highest among the groups gnomAD compares: African/African-American, 0.0027%; 1 homozygote.

Submissions (3):

Labcorp Genetics (formerly Invitae), Labcorp
Classification: Likely benign. Last evaluated: 2025-11-25. Review status: criteria provided, single submitter. Criteria: Invitae Variant Classification Sherloc (09022015). Collection method: clinical testing. Allele origin: germline.

CeGaT Center for Human Genetics Tuebingen
Classification: Uncertain significance. Last evaluated: 2024-06-01. Review status: criteria provided, single submitter. Criteria: CeGaT Center For Human Genetics Tuebingen Variant Classification Criteria Version 2. Collection method: clinical testing. Allele origin: germline. Affected: yes. Observed: 1 variant allele.

PreventionGenetics, part of Exact Sciences
Classification: Uncertain significance for OPA1-related condition. Last evaluated: 2024-07-11. Review status: no assertion criteria provided. Collection method: clinical testing. Allele origin: germline. Not counted in ClinVar's aggregate classification.
Comment: The OPA1 c.764C>T variant is predicted to result in the amino acid substitution p.Thr255Met. To our knowledge, this variant has not been reported in the literature. This variant is reported in 0.0029% of alleles in individuals of Latino descent in gnomAD. At this time, the clinical significance of this variant is uncertain due to the absence of conclusive functional and genetic evidence.